The following is an entry in ClinVar:

ClinVar aggregate classification (germline): Uncertain significance. Review status: criteria provided, multiple submitters, no conflicts (2 of 4 stars). 2 submissions from 2 submitters: Uncertain significance (2). Last evaluated 2025-05-20.

Conditions:
Inborn genetic diseases. Identifiers: MedGen C0950123, MeSH D030342.

gnomAD v4.1: 11 of 1,614,066 alleles (0.00068%); highest among the groups gnomAD compares: South Asian, 0.0033%; no homozygotes.

Submissions (2):

Ambry Genetics
Classification: Uncertain significance for Inborn genetic diseases. Last evaluated: 2025-05-20. Review status: criteria provided, single submitter. Criteria: Ambry Variant Classification Scheme 2023. Collection method: clinical testing. Allele origin: germline.

Labcorp Genetics (formerly Invitae), Labcorp
Classification: Uncertain significance. Last evaluated: 2024-06-22. Review status: criteria provided, single submitter. Criteria: Invitae Variant Classification Sherloc (09022015). Collection method: clinical testing. Allele origin: germline.
Comment: This sequence change replaces alanine, which is neutral and non-polar, with threonine, which is neutral and polar, at codon 1055 of the TRRAP protein (p.Ala1055Thr). This variant is present in population databases (rs782555411, gnomAD 0.006%). This variant has not been reported in the literature in individuals affected with TRRAP-related conditions. Advanced modeling of protein sequence and biophysical properties (such as structural, functional, and spatial information, amino acid conservation, physicochemical variation, residue mobility, and thermodynamic stability) performed at Invitae indicates that this missense variant is not expected to disrupt TRRAP protein function with a negative predictive value of 80%. In summary, the available evidence is currently insufficient to determine the role of this variant in disease. Therefore, it has been classified as a Variant of Uncertain Significance.

NM_001375524.1(TRRAP):c.3163G>A (p.Ala1055Thr)

Gene: TRRAP (transformation/transcription domain associated protein; plus strand). Cytogenetic location: 7q22.1.
Variant type: single nucleotide variant.
Coding change: c.3163G>A on transcript NM_001375524.1 (MANE Select); coding-DNA position 3163, G replaced by A.
Protein change: p.Ala1055Thr; replaces alanine 1055 with threonine.
Molecular consequence: missense variant.
Genome position (GRCh38, 1-based): chr7:98,927,354, G>A. VCF-style: chr7-98927354-G-A. GRCh37 (hg19) VCF-style: chr7-98524977-G-A.
Other names: c.3163G>A (NM_001244580.1); c.3163G>A, p.Ala1055Thr (NM_001244580.2, NM_003496.4); short protein forms A1055T.
Identifiers: ClinVar variation 3710248 (VCV003710248.3).